The following is an entry in ClinVar:

NM_001035.3(RYR2):c.7689A>G (p.Lys2563=)

Gene: RYR2 (ryanodine receptor 2; plus strand). Cytogenetic location: 1q43.
Variant type: single nucleotide variant.
Coding change: c.7689A>G on transcript NM_001035.3 (MANE Select); coding-DNA position 7689, A replaced by G.
Protein change: p.Lys2563=; no amino-acid change (lysine 2563 retained).
Molecular consequence: synonymous variant.
Genome position (GRCh38, 1-based): chr1:237,650,053, A>G. VCF-style: chr1-237650053-A-G. GRCh37 (hg19) VCF-style: chr1-237813353-A-G.
Other names: c.7689A>G, p.Lys2563= (LRG_402t1).
Identifiers: ClinVar variation 382289 (VCV000382289.24), dbSNP rs201082550, ClinGen allele CA087444.

ClinVar aggregate classification (germline): Benign/Likely benign. Review status: criteria provided, multiple submitters, no conflicts (2 of 4 stars). 8 submissions from 8 submitters: Benign (1); Likely benign (6). 1 of the submissions does not count toward it. Last evaluated 2025-12-16.

Conditions:
Cardiomyopathy (CMYO). Also called: Cardiomyopathies. Identifiers: Orphanet 167848, MedGen C0878544, MONDO:0004994, HP:0001638. Inheritance: Various modes of inheritance.
Cardiovascular phenotype. Identifiers: MedGen CN230736.
Catecholaminergic polymorphic ventricular tachycardia (CVPT). Also called: Catecholamine-induced polymorphic ventricular tachycardia. Identifiers: Orphanet 3286, MedGen C5574922, MONDO:0017990.
Catecholaminergic polymorphic ventricular tachycardia 1. Also called: RYR2-Related Catecholaminergic Polymorphic Ventricular Tachycardia; VENTRICULAR TACHYCARDIA, CATECHOLAMINERGIC POLYMORPHIC, 1, WITH OR WITHOUT ATRIAL DYSFUNCTION AND/OR DILATED CARDIOMYOPATHY; VENTRICULAR TACHYCARDIA, STRESS-INDUCED POLYMORPHIC 1. Identifiers: Orphanet 3286, MedGen C1631597, MONDO:0011484, OMIM 604772.
RYR2-related disorder. Also called: RYR2-related condition.

Allele frequency attached by ClinVar (database versions not stated): gnomAD exomes 0.00007 and 0.00024; ExAC 0.00009; gnomAD 0.00009; TOPMed 0.00011.
gnomAD v4.1: 360 of 1,613,902 alleles (0.022%); highest among the groups gnomAD compares: Non-Finnish European, 0.028%; no homozygotes.

Submissions (8):

Labcorp Genetics (formerly Invitae), Labcorp
Classification: Likely benign for Catecholaminergic polymorphic ventricular tachycardia 1. Last evaluated: 2025-12-16. Review status: criteria provided, single submitter. Criteria: Invitae Variant Classification Sherloc (09022015). Collection method: clinical testing. Allele origin: germline.

Blueprint Genetics
Classification: Likely benign. Last evaluated: 2024-04-12. Review status: criteria provided, single submitter. Criteria: ACMG Guidelines, 2015. Collection method: clinical testing. Allele origin: germline.

All of Us Research Program, National Institutes of Health
Classification: Likely benign for Catecholaminergic polymorphic ventricular tachycardia. Last evaluated: 2024-01-03. Review status: criteria provided, single submitter. Criteria: ACMG Guidelines, 2015. Collection method: clinical testing. Allele origin: germline. Inheritance: Autosomal dominant inheritance. Observed: 44 variant alleles, 44 heterozygotes.
Comment: This study involves interpretation of variants in research participants for the purpose of population health screening. Participant phenotype was not available at the time of variant classification. Additional details can be found in publication PMID: 35346344, PMCID: PMC8962531

Women's Health and Genetics/Laboratory Corporation of America, LabCorp
Classification: Benign. Last evaluated: 2023-11-15. Review status: criteria provided, single submitter. Criteria: LabCorp Variant Classification Summary - May 2015. Collection method: clinical testing. Allele origin: germline.
Comment: Variant summary: RYR2 c.7689A>G alters a conserved nucleotide resulting in a synonymous change. Several computational tools predict a significant impact on normal splicing: Two predict the variant abolishes a cryptic 3' acceptor site. Two predict the variant creates a 3' acceptor site. However, these predictions have yet to be confirmed by functional studies. The variant allele was found at a frequency of 7.2e-05 in 249284 control chromosomes, predominantly at a frequency of 0.00015 within the Non-Finnish European subpopulation in the gnomAD database. The observed variant frequency within Non-Finnish European control individuals in the gnomAD database is approximately 4 fold of the estimated maximal expected allele frequency for a pathogenic variant in RYR2 causing Catecholaminergic Polymorphic Ventricular Tachycardia phenotype (3.4e-05), strongly suggesting that the variant is a benign polymorphism found primarily in populations of Non-Finnish European origin. To our knowledge, no occurrence of c.7689A>G in individuals affected with Catecholaminergic Polymorphic Ventricular Tachycardia and no experimental evidence demonstrating its impact on protein function have been reported. Co-occurrences with other pathogenic variant(s) have been reported (MYH7 c.2717A>G, p.D906G), providing supporting evidence for a benign role. Four submitters have cited clinical-significance assessments for this variant to ClinVar after 2014. All submitters classified the variant as likely benign. Based on the evidence outlined above, the variant was classified as benign.

GeneDx
Classification: Likely benign. Last evaluated: 2020-12-09. Review status: criteria provided, single submitter. Criteria: GeneDx Variant Classification Process June 2021. Collection method: clinical testing. Allele origin: germline. Affected: yes.

Color Diagnostics, LLC DBA Color Health
Classification: Likely benign for Cardiomyopathy. Last evaluated: 2018-05-21. Review status: criteria provided, single submitter. Criteria: ACMG Guidelines, 2015. Collection method: clinical testing. Allele origin: germline.

Ambry Genetics
Classification: Likely benign for Cardiovascular phenotype. Last evaluated: 2018-03-21. Review status: criteria provided, single submitter. Criteria: Ambry Variant Classification Scheme 2023. Collection method: clinical testing. Allele origin: germline.

PreventionGenetics, part of Exact Sciences
Classification: Likely benign for RYR2-related condition. Last evaluated: 2019-04-01. Review status: no assertion criteria provided. Collection method: clinical testing. Allele origin: germline. Not counted in ClinVar's aggregate classification.
Comment: This variant is classified as likely benign based on ACMG/AMP sequence variant interpretation guidelines (Richards et al. 2015 PMID: 25741868, with internal and published modifications).